The following is an entry in ClinVar:

NM_007294.4(BRCA1):c.2805A>C (p.Lys935Asn)

Gene: BRCA1 (BRCA1 DNA repair associated; minus strand). Cytogenetic location: 17q21.31.
Variant type: single nucleotide variant.
Coding change: c.2805A>C on transcript NM_007294.4 (MANE Select); coding-DNA position 2805, A replaced by C.
Protein change: p.Lys935Asn; replaces lysine 935 with asparagine.
Molecular consequence: missense variant. On other transcripts: intron variant (137).
Genome position (GRCh38, 1-based): chr17:43,092,726, T>G on the plus strand (A>C on the coding strand, the complement: BRCA1 is on the minus strand). VCF-style: chr17-43092726-T-G. GRCh37 (hg19) VCF-style: chr17-41244743-T-G.
Other names: c.2664A>C, p.Lys888Asn (NM_001407751.1, NM_001407752.1, NM_001407692.1 and 29 more transcripts); c.2661A>C, p.Lys887Asn (NM_001407841.1, NM_001407838.1, NM_001407842.1 and 20 more transcripts); c.404-1694A>C (NM_001408511.1); c.647-1694A>C (NM_001408457.1, NM_001408460.1, NM_001408454.1 and 11 more transcripts); c.521-1694A>C (NM_001408505.1, NM_001408504.1, NM_001408503.1); c.461-1694A>C (NM_001408507.1, NM_001408506.1); c.545-1694A>C (NM_001408495.1); c.662-1694A>C (NM_001408448.1, NM_001408445.1, NM_001408432.1 and 6 more transcripts); and 41 more; short protein forms K808N, K823N, K847N, K887N, K888N, K893N, K932N, K935N.
Identifiers: ClinVar variation 4625331 (VCV004625331.1).

ClinVar aggregate classification (germline): Uncertain significance (1 of 4 stars; one submission).

Conditions:
Hereditary cancer-predisposing syndrome. Also called: Neoplastic Syndromes, Hereditary; Tumor predisposition; Hereditary Cancer Syndrome; Hereditary neoplastic syndrome. Identifiers: Orphanet 140162, MedGen C0027672, MeSH D009386, MONDO:0015356.

Submission:

Ambry Genetics
Classification: Uncertain significance for Hereditary cancer-predisposing syndrome. Last evaluated: 2025-10-23. Review status: criteria provided, single submitter. Criteria: Ambry Variant Classification Scheme 2023. Collection method: clinical testing. Allele origin: germline.
Comment: The p.K935N variant (also known as c.2805A>C), located in coding exon 9 of the BRCA1 gene, results from an A to C substitution at nucleotide position 2805. The lysine at codon 935 is replaced by asparagine, an amino acid with similar properties. This amino acid position is conserved. In addition, the in silico prediction for this alteration is inconclusive. Based on the available evidence, the clinical significance of this variant remains unclear.